The following is an entry in ClinVar:

NM_006662.3(SRCAP):c.7885G>T (p.Glu2629Ter)

Gene: SRCAP (Snf2 related CREBBP activator protein; plus strand). Cytogenetic location: 16p11.2.
Variant type: single nucleotide variant.
Coding change: c.7885G>T on transcript NM_006662.3 (MANE Select); coding-DNA position 7885, G replaced by T.
Protein change: p.Glu2629Ter; replaces glutamic acid 2629 with a stop codon.
Molecular consequence: nonsense.
Genome position (GRCh38, 1-based): chr16:30,737,925, G>T. VCF-style: chr16-30737925-G-T. GRCh37 (hg19) VCF-style: chr16-30749246-G-T.
Other names: short protein forms E2629*.
Identifiers: ClinVar variation 3899467 (VCV003899467.1).

ClinVar aggregate classification (germline): Pathogenic (1 of 4 stars; one submission).

Submission:

GeneDx
Classification: Pathogenic. Last evaluated: 2024-11-18. Review status: criteria provided, single submitter. Criteria: GeneDx Variant Classification Process June 2021. Collection method: clinical testing. Allele origin: germline. Affected: yes.
Comment: Nonsense variant predicted to result in protein truncation, as the last 602 amino acids are lost, and other loss-of-function variants have been reported downstream in HGMD; Not observed at significant frequency in large population cohorts (gnomAD); Has not been previously published as pathogenic or benign to our knowledge